The following is an entry in ClinVar:

NM_004006.3(DMD):c.6970G>A (p.Gly2324Arg)

Gene: DMD (dystrophin; minus strand). Cytogenetic location: Xp21.1.
Variant type: single nucleotide variant.
Coding change: c.6970G>A on transcript NM_004006.3 (MANE Select); coding-DNA position 6970, G replaced by A.
Protein change: p.Gly2324Arg; replaces glycine 2324 with arginine.
Molecular consequence: missense variant. On other transcripts: 5 prime UTR variant (5).
Genome position (GRCh38, 1-based): chrX:31,875,316, C>T on the plus strand (G>A on the coding strand, the complement: DMD is on the minus strand). VCF-style: chrX-31875316-C-T. GRCh37 (hg19) VCF-style: chrX-31893433-C-T.
Other names: c.6946G>A, p.Gly2316Arg (NM_000109.4); c.6958G>A, p.Gly2320Arg (NM_004009.3); c.6601G>A, p.Gly2201Arg (NM_004010.3); c.2947G>A, p.Gly983Arg (NM_004011.4); c.2938G>A, p.Gly980Arg (NM_004012.4); c.-411G>A (NM_004013.3, NM_004020.4, NM_004021.3 and 2 more transcripts); short protein forms G2316R, G980R, G983R, G2324R, G2201R, G2320R.
Identifiers: ClinVar variation 2960246 (VCV002960246.3), dbSNP rs2532455887, ClinGen allele CA412660146.

ClinVar aggregate classification (germline): Uncertain significance (1 of 4 stars; one submission).

Conditions:
Duchenne muscular dystrophy (DMD). Also called: MUSCULAR DYSTROPHY, PSEUDOHYPERTROPHIC PROGRESSIVE, DUCHENNE TYPE; Duchenne Muscular Dystrophy (DMD). Identifiers: Orphanet 98896, MedGen C0013264, MONDO:0010679, OMIM 310200.

Allele frequency attached by ClinVar (database versions not stated): gnomAD exomes below 0.00001.
gnomAD v4.1: 1 of 1,204,187 alleles (0.000083%); highest among the groups gnomAD compares: Non-Finnish European, 0.00011%; no homozygotes.

Submission:

Labcorp Genetics (formerly Invitae), Labcorp
Classification: Uncertain significance for Duchenne muscular dystrophy. Last evaluated: 2022-11-22. Review status: criteria provided, single submitter. Criteria: Invitae Variant Classification Sherloc (09022015). Collection method: clinical testing. Allele origin: germline.
Comment: In summary, the available evidence is currently insufficient to determine the role of this variant in disease. Therefore, it has been classified as a Variant of Uncertain Significance. Advanced modeling of protein sequence and biophysical properties (such as structural, functional, and spatial information, amino acid conservation, physicochemical variation, residue mobility, and thermodynamic stability) performed at Invitae indicates that this missense variant is not expected to disrupt DMD protein function. This variant has not been reported in the literature in individuals affected with DMD-related conditions. This variant is not present in population databases (gnomAD no frequency). This sequence change replaces glycine, which is neutral and non-polar, with arginine, which is basic and polar, at codon 2324 of the DMD protein (p.Gly2324Arg).